The following is an entry in ClinVar:

NM_000726.5(CACNB4):c.967A>G (p.Ile323Val)

Gene: CACNB4 (calcium voltage-gated channel auxiliary subunit beta 4; minus strand). Cytogenetic location: 2q23.3.
Variant type: single nucleotide variant.
Coding change: c.967A>G on transcript NM_000726.5 (MANE Select); coding-DNA position 967, A replaced by G.
Protein change: p.Ile323Val; replaces isoleucine 323 with valine.
Molecular consequence: missense variant.
Genome position (GRCh38, 1-based): chr2:151,855,277, T>C on the plus strand (A>G on the coding strand, the complement: CACNB4 is on the minus strand). VCF-style: chr2-151855277-T-C. GRCh37 (hg19) VCF-style: chr2-152711791-T-C.
Other names: c.913A>G, p.Ile305Val (NM_001005746.4); c.865A>G, p.Ile289Val (NM_001005747.4); c.967A>G, p.Ile323Val (NM_001145798.3); c.826A>G, p.Ile276Val (NM_001320722.3, NM_001330118.2); c.724A>G, p.Ile242Val (NM_001330113.2); c.313A>G, p.Ile105Val (NM_001330114.2); c.676A>G, p.Ile226Val (NM_001330115.2); c.637A>G, p.Ile213Val (NM_001330116.2); and 1 more; short protein forms I323V, I305V, I105V, I276V, I289V, I213V, I137V, I226V.
Identifiers: ClinVar variation 572633 (VCV000572633.8), dbSNP rs1559871505, ClinGen allele CA348790341.
Genomic context (GRCh38, chr2:151,855,277, plus strand): 5'-TAATTACCTTTGGAGATGAGACTTTTACATGAACAATAATTGGTGCTAAGGAAGTCTTTA[T>C]AAGTTGTGCTGGGTGATTGATGGTGTCTGCATCAAGAACAACCAGTTGCAAAGATCTTGC-3'
Protein context (NP_000717.2, residues 313-333): ADTINHPAQL[Ile323Val]KTSLAPIIVH

ClinVar aggregate classification (germline): Uncertain significance (1 of 4 stars; one submission).

Conditions:
Idiopathic generalized epilepsy. Also called: Generalised epilepsy; EIG. Identifiers: MedGen C0270850, MONDO:0005579, OMIM 600669.

Submission:

Labcorp Genetics (formerly Invitae), Labcorp
Classification: Uncertain significance for Idiopathic generalized epilepsy. Last evaluated: 2022-07-19. Review status: criteria provided, single submitter. Criteria: Invitae Variant Classification Sherloc (09022015). Collection method: clinical testing. Allele origin: germline.
Comment: In summary, the available evidence is currently insufficient to determine the role of this variant in disease. Therefore, it has been classified as a Variant of Uncertain Significance. Algorithms developed to predict the effect of missense changes on protein structure and function (SIFT, PolyPhen-2, Align-GVGD) all suggest that this variant is likely to be tolerated. ClinVar contains an entry for this variant (Variation ID: 572633). This variant has not been reported in the literature in individuals affected with CACNB4-related conditions. This variant is not present in population databases (gnomAD no frequency). This sequence change replaces isoleucine, which is neutral and non-polar, with valine, which is neutral and non-polar, at codon 323 of the CACNB4 protein (p.Ile323Val).